The following is an entry in ClinVar:

NM_001370704.1(APOLTP):c.4266A>G (p.Thr1422=)

Gene: APOLTP (apolipoprotein lipid transfer particle homolog; minus strand). Cytogenetic location: 16p13.13.
Variant type: single nucleotide variant.
Coding change: c.4266A>G on transcript NM_001370704.1 (MANE Select); coding-DNA position 4266, A replaced by G.
Protein change: p.Thr1422=; no amino-acid change (threonine 1422 retained).
Molecular consequence: synonymous variant.
Genome position (GRCh38, 1-based): chr16:11,449,099, T>C on the plus strand (A>G on the coding strand, the complement: APOLTP is on the minus strand). VCF-style: chr16-11449099-T-C. GRCh37 (hg19) VCF-style: chr16-11542955-T-C.
Other names: c.4266A>G, p.Thr1422= (NM_001395505.1).
Identifiers: ClinVar variation 2646225 (VCV002646225.24), dbSNP rs145058041, ClinGen allele CA7903514.
Genomic context (GRCh38, chr16:11,449,099, plus strand): 5'-GTTCCAGGCTGACTCGAGTTCGCTCCAGCTGTGGAAGAGGCTCTGTGCCAAGACTGTCAC[T>C]GTGGAAACCTGCAATGAGGTGAGGAGGGGGACCAAGGCCTTTGCACACCCTATTTCCTCC-3'
Protein context (NP_001357633.1, residues 1412-1432): TAATTYLRVS[Thr1422=]VTVLAQSLFH

ClinVar aggregate classification (germline): Likely benign (1 of 4 stars; one submission).

Allele frequency attached by ClinVar (database versions not stated): 1000 Genomes Project 30x 0.00156; 1000 Genomes Project 0.00180; gnomAD 0.00317; TOPMed 0.00391; ExAC 0.00417; gnomAD exomes 0.00443.
gnomAD v4.1: 6,258 of 1,452,092 alleles (0.43%); highest among the groups gnomAD compares: Middle Eastern, 2.9%; 35 homozygotes.

Submission:

CeGaT Center for Human Genetics Tuebingen
Classification: Likely benign. Last evaluated: 2022-12-01. Review status: criteria provided, single submitter. Criteria: CeGaT Center For Human Genetics Tuebingen Variant Classification Criteria Version 2. Collection method: clinical testing. Allele origin: germline. Affected: yes. Observed: 1 variant allele.
Comment: LOC400499: BS2